The following is an entry in ClinVar:

ClinVar aggregate classification (germline): Uncertain significance (1 of 4 stars; one submission).

gnomAD v4.1: 3 of 1,611,896 alleles (0.00019%); highest among the groups gnomAD compares: Non-Finnish European, 0.00025%; no homozygotes.

Submission:

Labcorp Genetics (formerly Invitae), Labcorp
Classification: Uncertain significance. Last evaluated: 2024-06-20. Review status: criteria provided, single submitter. Criteria: Invitae Variant Classification Sherloc (09022015). Collection method: clinical testing. Allele origin: germline.
Comment: This sequence change replaces valine, which is neutral and non-polar, with leucine, which is neutral and non-polar, at codon 29 of the PPP1R12A protein (p.Val29Leu). This variant is present in population databases (rs762718548, gnomAD 0.0009%). This variant has not been reported in the literature in individuals affected with PPP1R12A-related conditions. An algorithm developed to predict the effect of missense changes on protein structure and function (PolyPhen-2) suggests that this variant is likely to be disruptive. In summary, the available evidence is currently insufficient to determine the role of this variant in disease. Therefore, it has been classified as a Variant of Uncertain Significance.

NM_002480.3(PPP1R12A):c.85G>T (p.Val29Leu)

Genes: PPP1R12A (protein phosphatase 1 regulatory subunit 12A; minus strand), LOC112163633 (Sharpr-MPRA regulatory region 5962; plus strand). Cytogenetic location: 12q21.31.
Variant type: single nucleotide variant.
Coding change: c.85G>T on transcript NM_002480.3 (MANE Select); coding-DNA position 85, G replaced by T.
Protein change: p.Val29Leu; replaces valine 29 with leucine.
Molecular consequence: missense variant.
Genome position (GRCh38, 1-based): chr12:79,934,847, C>A on the plus strand (G>T on the coding strand, the complement: PPP1R12A is on the minus strand). VCF-style: chr12-79934847-C-A. GRCh37 (hg19) VCF-style: chr12-80328627-C-A.
Other names: c.85G>T, p.Val29Leu (NM_001143885.2, NM_001244990.2, NM_001244992.1); short protein forms V29L.
Identifiers: ClinVar variation 3675366 (VCV003675366.2).